The following is an entry in ClinVar:

NM_001089.3(ABCA3):c.3335C>G (p.Ala1112Gly)

Gene: ABCA3 (ATP binding cassette subfamily A member 3; minus strand). Cytogenetic location: 16p13.3.
Variant type: single nucleotide variant.
Coding change: c.3335C>G on transcript NM_001089.3 (MANE Select); coding-DNA position 3335, C replaced by G.
Protein change: p.Ala1112Gly; replaces alanine 1112 with glycine.
Molecular consequence: missense variant.
Genome position (GRCh38, 1-based): chr16:2,285,590, G>C on the plus strand (C>G on the coding strand, the complement: ABCA3 is on the minus strand). VCF-style: chr16-2285590-G-C. GRCh37 (hg19) VCF-style: chr16-2335591-G-C.
Other names: short protein forms A1112G.
Identifiers: ClinVar variation 318415 (VCV000318415.11), dbSNP rs777414202, ClinGen allele CA7840536.

ClinVar aggregate classification (germline): Uncertain significance. Review status: criteria provided, multiple submitters, no conflicts (2 of 4 stars). 3 submissions from 3 submitters: Uncertain significance (3). Last evaluated 2023-06-01.

Conditions:
Hereditary pulmonary alveolar proteinosis. Also called: Pulmonary surfactant metabolism dysfunction. Identifiers: Orphanet 264675, MedGen C3711368, MONDO:0012580.
Interstitial lung disease due to ABCA3 deficiency. Also called: PULMONARY ALVEOLAR PROTEINOSIS, CONGENITAL, 3. Identifiers: Orphanet 440402, MedGen C1970456, MONDO:0012582, OMIM 610921.

Allele frequency attached by ClinVar (database versions not stated): gnomAD 0.00003; gnomAD exomes 0.00003 and 0.00014; ExAC 0.00004; TOPMed 0.00006.
gnomAD v4.1: 198 of 1,561,834 alleles (0.013%); highest among the groups gnomAD compares: Non-Finnish European, 0.017%; no homozygotes.

Submissions (3):

Ambry Genetics
Classification: Uncertain significance for Hereditary pulmonary alveolar proteinosis. Last evaluated: 2023-06-01. Review status: criteria provided, single submitter. Criteria: Ambry Variant Classification Scheme 2023. Collection method: clinical testing. Allele origin: germline.

Labcorp Genetics (formerly Invitae), Labcorp
Classification: Uncertain significance. Last evaluated: 2021-08-28. Review status: criteria provided, single submitter. Criteria: Invitae Variant Classification Sherloc (09022015). Collection method: clinical testing. Allele origin: germline.
Comment: This sequence change replaces alanine with glycine at codon 1112 of the ABCA3 protein (p.Ala1112Gly). The alanine residue is moderately conserved and there is a small physicochemical difference between alanine and glycine. This variant is present in population databases (rs777414202, ExAC 0.008%). This variant has not been reported in the literature in individuals affected with ABCA3-related conditions. ClinVar contains an entry for this variant (Variation ID: 318415). Algorithms developed to predict the effect of missense changes on protein structure and function are either unavailable or do not agree on the potential impact of this missense change (SIFT: "Deleterious"; PolyPhen-2: "Benign"; Align-GVGD: "Class C0"). In summary, the available evidence is currently insufficient to determine the role of this variant in disease. Therefore, it has been classified as a Variant of Uncertain Significance.

Illumina Laboratory Services, Illumina
Classification: Uncertain significance for Interstitial lung disease due to ABCA3 deficiency. Last evaluated: 2018-01-13. Review status: criteria provided, single submitter. Criteria: ICSL Variant Classification Criteria 13 December 2019. Collection method: clinical testing. Allele origin: germline.